The following is an entry in ClinVar:

NM_000089.4(COL1A2):c.2282C>G (p.Ala761Gly)

Gene: COL1A2 (collagen type I alpha 2 chain; plus strand). Cytogenetic location: 7q21.3.
Variant type: single nucleotide variant.
Coding change: c.2282C>G on transcript NM_000089.4 (MANE Select); coding-DNA position 2282, C replaced by G.
Protein change: p.Ala761Gly; replaces alanine 761 with glycine.
Molecular consequence: missense variant.
Genome position (GRCh38, 1-based): chr7:94,420,635, C>G. VCF-style: chr7-94420635-C-G. GRCh37 (hg19) VCF-style: chr7-94049947-C-G.
Other names: short protein forms A761G.
Identifiers: ClinVar variation 2159013 (VCV002159013.4), dbSNP rs756289159, ClinGen allele CA4347369.

ClinVar aggregate classification (germline): Uncertain significance (1 of 4 stars; one submission).

Conditions:
Ehlers-Danlos syndrome, classic type, 1 (EDSCL1). Also called: Ehlers-Danlos Syndrome, Classic Type, COL5A1-Related; EHLERS-DANLOS SYNDROME, GRAVIS TYPE; EHLERS-DANLOS SYNDROME, SEVERE CLASSIC TYPE; Ehlers-Danlos syndrome, type 1; EDS I. Identifiers: MedGen C0268335, MONDO:0019567, OMIM 130000.
Osteogenesis imperfecta type I (OI1). Also called: OI, TYPE I; OSTEOGENESIS IMPERFECTA TARDA; OSTEOGENESIS IMPERFECTA WITH BLUE SCLERAE; Osteogenesis imperfecta type 1; Classic Non-deforming Osteogenesis Imperfecta with Blue Sclerae; Lobstein's Disease. Identifiers: Orphanet 216796, Orphanet 666, MedGen C0023931, MONDO:0008146, OMIM 166200. Disease mechanism: loss of function.

Allele frequency attached by ClinVar (database versions not stated): ExAC 0.00002.
gnomAD v4.1: 3 of 1,599,358 alleles (0.00019%); highest among the groups gnomAD compares: Admixed American, 0.0052%; no homozygotes.

Submission:

Labcorp Genetics (formerly Invitae), Labcorp
Classification: Uncertain significance for Osteogenesis imperfecta type I; Ehlers-Danlos syndrome, classic type, 1. Last evaluated: 2022-10-03. Review status: criteria provided, single submitter. Criteria: Invitae Variant Classification Sherloc (09022015). Collection method: clinical testing. Allele origin: germline.
Comment: In summary, the available evidence is currently insufficient to determine the role of this variant in disease. Therefore, it has been classified as a Variant of Uncertain Significance. Advanced modeling of protein sequence and biophysical properties (such as structural, functional, and spatial information, amino acid conservation, physicochemical variation, residue mobility, and thermodynamic stability) performed at Invitae indicates that this missense variant is not expected to disrupt COL1A2 protein function. This variant has not been reported in the literature in individuals affected with COL1A2-related conditions. This variant is present in population databases (rs756289159, gnomAD 0.007%). This sequence change replaces alanine, which is neutral and non-polar, with glycine, which is neutral and non-polar, at codon 761 of the COL1A2 protein (p.Ala761Gly).